The following is an entry in ClinVar:

ClinVar aggregate classification (germline): Pathogenic/Likely pathogenic. Review status: criteria provided, multiple submitters, no conflicts (2 of 4 stars). 5 submissions from 5 submitters: Pathogenic (2); Likely pathogenic (3). Last evaluated 2026-05-21.

Conditions:
Joubert syndrome 7 (JBTS7). Identifiers: Orphanet 220497, MedGen C1969053, MONDO:0012694, OMIM 611560.
Meckel syndrome, type 5 (MKS5). Identifiers: Orphanet 564, MedGen C1969052, MONDO:0012695, OMIM 611561.
COACH syndrome 3. Identifiers: MedGen C5436841, MONDO:0030862, OMIM 619113.
Meckel-Gruber syndrome. Also called: DYSENCEPHALIA SPLANCHNOCYSTICA; GRUBER SYNDROME; Dysencephalia splachnocystica. Identifiers: Orphanet 564, MedGen C0265215, MONDO:0018921.
Joubert syndrome. Also called: Familial aplasia of the vermis; JOUBERT-BOLTSHAUSER SYNDROME. Identifiers: Orphanet 475, MedGen C5979921, MONDO:0018772.
RPGRIP1L-related disorder. Also called: RPGRIP1L-related condition; RPGRIP1L-related disorders. Identifiers: MedGen CN239416.

gnomAD v4.1: 6 of 1,613,994 alleles (0.00037%); highest among the groups gnomAD compares: Non-Finnish European, 0.00051%; no homozygotes.

Submissions (5):

PreventionGenetics, part of Exact Sciences
Classification: Likely pathogenic for RPGRIP1L-related condition. Last evaluated: 2026-05-21. Review status: criteria provided, single submitter. Criteria: ACMG Guidelines, 2015. Collection method: clinical testing. Allele origin: germline.
Comment: The RPGRIP1L c.2451C>G variant is predicted to result in premature protein termination (p.Tyr817*). To our knowledge, this variant has not been reported in the literature. This variant is reported in 0.0018% of alleles in individuals of European (Non-Finnish) descent in gnomAD. Nonsense variants in RPGRIP1L are expected to be pathogenic. This variant is interpreted as likely pathogenic.

Labcorp Genetics (formerly Invitae), Labcorp
Classification: Pathogenic for Joubert syndrome; Meckel-Gruber syndrome. Last evaluated: 2025-09-15. Review status: criteria provided, single submitter. Criteria: Invitae Variant Classification Sherloc (09022015). Collection method: clinical testing. Allele origin: germline.
Comment: This sequence change creates a premature translational stop signal (p.Tyr817*) in the RPGRIP1L gene. It is expected to result in an absent or disrupted protein product. Loss-of-function variants in RPGRIP1L are known to be pathogenic (PMID: 17558409). This variant is present in population databases (no rsID available, gnomAD 0.002%). This variant has not been reported in the literature in individuals affected with RPGRIP1L-related conditions. ClinVar contains an entry for this variant (Variation ID: 620438). For these reasons, this variant has been classified as Pathogenic.

GeneDx
Classification: Pathogenic. Last evaluated: 2025-04-16. Review status: criteria provided, single submitter. Criteria: GeneDx Variant Classification Process June 2021. Collection method: clinical testing. Allele origin: germline. Affected: yes.
Comment: Nonsense variant predicted to result in protein truncation or nonsense mediated decay in a gene for which loss of function is a known mechanism of disease; Not observed at significant frequency in large population cohorts (gnomAD); Has not been previously published in association with an RPGRIP1L-related disorder to our knowledge; This variant is associated with the following publications: (PMID: 31964843)

Blueprint Genetics
Classification: Likely pathogenic for RPGRIP1L-related disorders. Last evaluated: 2023-11-28. Review status: criteria provided, single submitter. Criteria: ACMG Guidelines, 2015. Collection method: clinical testing. Allele origin: germline. Affected: yes. Observed: 3 variant alleles.

Fulgent Genetics
Classification: Likely pathogenic for Joubert syndrome 7; Meckel syndrome, type 5; COACH syndrome 3. Last evaluated: 2022-04-25. Review status: criteria provided, single submitter. Criteria: ACMG Guidelines, 2015. Collection method: clinical testing. Allele origin: unknown.

Literature cited by the submitters: PubMed 17558409 (cited by Labcorp Genetics (formerly Invitae), Labcorp).

NM_015272.5(RPGRIP1L):c.2451C>G (p.Tyr817Ter)

Gene: RPGRIP1L (RPGRIP1 like; minus strand). Cytogenetic location: 16q12.2.
Variant type: single nucleotide variant.
Coding change: c.2451C>G on transcript NM_015272.5 (MANE Select); coding-DNA position 2451, C replaced by G.
Protein change: p.Tyr817Ter; replaces tyrosine 817 with a stop codon.
Molecular consequence: nonsense.
Genome position (GRCh38, 1-based): chr16:53,645,857, G>C on the plus strand (C>G on the coding strand, the complement: RPGRIP1L is on the minus strand). VCF-style: chr16-53645857-G-C. GRCh37 (hg19) VCF-style: chr16-53679769-G-C.
Other names: c.2451C>G, p.Tyr817Ter (NM_001127897.4, NM_001308334.3, NM_001330538.2); c.2451C>G (NM_015272.4); short protein forms Y817*.
Identifiers: ClinVar variation 620438 (VCV000620438.14), dbSNP rs145807002, ClinGen allele CA281339352.